The following is an entry in ClinVar:

NM_000465.4(BARD1):c.1720G>C (p.Gly574Arg)

Gene: BARD1 (BRCA1 associated RING domain 1; minus strand). Cytogenetic location: 2q35.
Variant type: single nucleotide variant.
Coding change: c.1720G>C on transcript NM_000465.4 (MANE Select); coding-DNA position 1720, G replaced by C.
Protein change: p.Gly574Arg; replaces glycine 574 with arginine.
Molecular consequence: missense variant. On other transcripts: non-coding transcript variant (3), intron variant (1).
Genome position (GRCh38, 1-based): chr2:214,745,812, C>G on the plus strand (G>C on the coding strand, the complement: BARD1 is on the minus strand). VCF-style: chr2-214745812-C-G. GRCh37 (hg19) VCF-style: chr2-215610536-C-G.
Other names: c.1663G>C, p.Gly555Arg (NM_001282543.2); c.367G>C, p.Gly123Arg (NM_001282545.2); c.310G>C, p.Gly104Arg (NM_001282548.2); c.365-15304G>C (NM_001282549.2); short protein forms G104R, G123R, G555R, G574R.
Identifiers: ClinVar variation 4082262 (VCV004082262.1).
Genomic context (GRCh38, chr2:214,745,812, plus strand): 5'-CCTTAAGAATTACTGCAAGCTCACTGAGCATTTTCTGTTGTTCTGAAGACAGCCCACTGC[C>G]TATAAGTACAAGAGGTCCATCCCTACGCTGCCCAGTGTTCATCTGTTAATATAAAAGGAG-3'
Protein context (NP_000456.2, residues 564-584): QRRDGPLVLI[Gly574Arg]SGLSSEQQKM

ClinVar aggregate classification (germline): Uncertain significance (1 of 4 stars; one submission).

Conditions:
Hereditary breast ovarian cancer syndrome. Also called: BRCA1- and BRCA2-Associated Hereditary Breast and Ovarian Cancer; Hereditary breast and ovarian cancer; Hereditary breast and ovarian cancer syndrome (HBOC); Hereditary breast and/or ovarian cancer syndrome; Hereditary breast and ovarian cancer syndrome; Breast and ovarian cancer. Identifiers: Orphanet 145, MedGen C0677776, MeSH D061325, MONDO:0003582. Disease mechanism: loss of function.

Submission:

German Consortium for Hereditary Breast and Ovarian Cancer, University Hospital Cologne
Classification: Uncertain significance for Hereditary breast ovarian cancer syndrome. Last evaluated: 2025-07-09. Review status: criteria provided, single submitter. Criteria: ACMG Guidelines, 2015. Collection method: curation. Allele origin: germline.
Comment: This classification follows the ACMG SVI adaptation classification scheme; We chose these criteria: PM2 (supporting pathogenic): not in gnomAD, PP3 (supporting pathogenic): REVEL = 0.722 (thus [0.644, 0.773), as per Pejaver 2022, PMID: 36413997)